The following is an entry in ClinVar:

ClinVar aggregate classification (germline): Uncertain significance (1 of 4 stars; one submission).

Submission:

Labcorp Genetics (formerly Invitae), Labcorp
Classification: Uncertain significance. Last evaluated: 2025-12-02. Review status: criteria provided, single submitter. Criteria: Invitae Variant Classification Sherloc (09022015). Collection method: clinical testing. Allele origin: germline.
Comment: This sequence change replaces serine, which is neutral and polar, with cysteine, which is neutral and slightly polar, at codon 583 of the ALPK3 protein (p.Ser583Cys). This variant is not present in population databases (gnomAD no frequency). This variant has not been reported in the literature in individuals affected with ALPK3-related conditions. ClinVar contains an entry for this variant (Variation ID: 2740300). An algorithm developed to predict the effect of missense changes on protein structure and function (PolyPhen-2) suggests that this variant is likely to be disruptive. In summary, the available evidence is currently insufficient to determine the role of this variant in disease. Therefore, it has been classified as a Variant of Uncertain Significance.

NM_020778.5(ALPK3):c.1142C>G (p.Ser381Cys)

Gene: ALPK3 (alpha kinase 3; plus strand). Cytogenetic location: 15q25.3.
Variant type: single nucleotide variant.
Coding change: c.1142C>G on transcript NM_020778.5 (MANE Select); coding-DNA position 1142, C replaced by G.
Protein change: p.Ser381Cys; replaces serine 381 with cysteine.
Molecular consequence: missense variant.
Genome position (GRCh38, 1-based): chr15:84,840,421, C>G. VCF-style: chr15-84840421-C-G. GRCh37 (hg19) VCF-style: chr15-85383652-C-G.
Other names: short protein forms S381C.
Identifiers: ClinVar variation 2740300 (VCV002740300.3), dbSNP rs2505706091, ClinGen allele CA393374569.
Genomic context (GRCh38, chr15:84,840,421, plus strand): 5'-TGGGCGTGGAGCAGGTTCAGACCCAGCCCAGAGGCAGGGCTGCACGGGGGCCTGGGTCCT[C>G]TGGCACAGATAGTACCAGGAAGCCAGCCTCTGCTGTGGGCACTCCAGACAAGGCCCAGAA-3'
Protein context (NP_065829.4, residues 371-391): RGRAARGPGS[Ser381Cys]GTDSTRKPAS